The following is an entry in ClinVar:

ClinVar aggregate classification (germline): Conflicting classifications of pathogenicity. Review status: criteria provided, conflicting classifications (1 of 4 stars). 4 submissions from 4 submitters: Uncertain significance (1); Benign (1); Likely benign (2). Last evaluated 2024-11-05.

Conditions:
SLC35A2-congenital disorder of glycosylation. Also called: CONGENITAL DISORDER OF GLYCOSYLATION, TYPE IIm; CDG IIm; EPILEPTIC ENCEPHALOPATHY, EARLY INFANTILE, 22; CONGENITAL DISORDER OF GLYCOSYLATION, TYPE IIm, SOMATIC MOSAIC; DEVELOPMENTAL AND EPILEPTIC ENCEPHALOPATHY 22; SLC35A2-CDG. Identifiers: Orphanet 356961, MedGen C3806688, MONDO:0010478, OMIM 300896.

Allele frequency attached by ClinVar (database versions not stated): TOPMed below 0.00001; gnomAD exomes 0.00003 and 0.00006; ExAC 0.00006.
gnomAD v4.1: 34 of 1,211,904 alleles (0.0028%); highest among the groups gnomAD compares: Middle Eastern, 0.023%; no homozygotes.

Submissions (4):

Blueprint Genetics
Classification: Likely benign. Last evaluated: 2024-11-05. Review status: criteria provided, single submitter. Criteria: ACMG Guidelines, 2015. Collection method: clinical testing. Allele origin: germline.

CeGaT Center for Human Genetics Tuebingen
Classification: Likely benign. Last evaluated: 2024-06-01. Review status: criteria provided, single submitter. Criteria: CeGaT Center For Human Genetics Tuebingen Variant Classification Criteria Version 2. Collection method: clinical testing. Allele origin: germline. Affected: yes. Observed: 3 variant alleles.
Comment: SLC35A2: BS2

Labcorp Genetics (formerly Invitae), Labcorp
Classification: Benign for SLC35A2-congenital disorder of glycosylation. Last evaluated: 2023-08-04. Review status: criteria provided, single submitter. Criteria: Invitae Variant Classification Sherloc (09022015). Collection method: clinical testing. Allele origin: germline.

Athena Diagnostics
Classification: Uncertain significance. Last evaluated: 2020-02-13. Review status: criteria provided, single submitter. Criteria: Athena Diagnostics Criteria. Collection method: clinical testing. Allele origin: unknown.

NM_005660.3(SLC35A2):c.1039G>A (p.Ala347Thr)

Gene: SLC35A2 (solute carrier family 35 member A2; minus strand). Cytogenetic location: Xp11.23.
Variant type: single nucleotide variant.
Coding change: c.1039G>A on transcript NM_005660.3 (MANE Select); coding-DNA position 1039, G replaced by A.
Protein change: p.Ala347Thr; replaces alanine 347 with threonine.
Molecular consequence: missense variant.
Genome position (GRCh38, 1-based): chrX:48,904,870, C>T on the plus strand (G>A on the coding strand, the complement: SLC35A2 is on the minus strand). VCF-style: chrX-48904870-C-T. GRCh37 (hg19) VCF-style: chrX-48762147-C-T.
Other names: c.449G>A, p.Ser150Asn (NM_001032289.3, NM_001282647.2); c.1039G>A, p.Ala347Thr (NM_001042498.3); c.377G>A, p.Ser126Asn (NM_001282648.2); c.856G>A, p.Ala286Thr (NM_001282649.2); c.1078G>A, p.Ala360Thr (NM_001282650.2); c.1123G>A, p.Ala375Thr (NM_001282651.2); short protein forms A347T, A375T, S126N, S150N, A286T, A360T.
Identifiers: ClinVar variation 444804 (VCV000444804.38), dbSNP rs781948153, ClinGen allele CA10406070.